The following is an entry in ClinVar:

NM_006158.5(NEFL):c.1373T>C (p.Ile458Thr)

Gene: NEFL (neurofilament light chain; minus strand). Cytogenetic location: 8p21.2.
Variant type: single nucleotide variant.
Coding change: c.1373T>C on transcript NM_006158.5 (MANE Select); coding-DNA position 1373, T replaced by C.
Protein change: p.Ile458Thr; replaces isoleucine 458 with threonine.
Molecular consequence: missense variant.
Genome position (GRCh38, 1-based): chr8:24,953,592, A>G on the plus strand (T>C on the coding strand, the complement: NEFL is on the minus strand). VCF-style: chr8-24953592-A-G. GRCh37 (hg19) VCF-style: chr8-24811106-A-G.
Other names: c.1373T>C (NM_006158.4); short protein forms I458T.
Identifiers: ClinVar variation 234891 (VCV000234891.11), dbSNP rs372034119, ClinGen allele CA4681283.

ClinVar aggregate classification (germline): Uncertain significance. Review status: criteria provided, multiple submitters, no conflicts (2 of 4 stars). 4 submissions from 4 submitters: Uncertain significance (4). Last evaluated 2026-01-27.

Conditions:
Inborn genetic diseases. Identifiers: MedGen C0950123, MeSH D030342.
Charcot-Marie-Tooth disease type 2E (CMT2E). Also called: CHARCOT-MARIE-TOOTH DISEASE, AXONAL, TYPE 2E; CHARCOT-MARIE-TOOTH NEUROPATHY, TYPE 2E. Identifiers: Orphanet 99939, MedGen C1843225, MONDO:0011894, OMIM 607684.

Allele frequency attached by ClinVar (database versions not stated): gnomAD exomes below 0.00001 and 0.00003; ExAC 0.00001; TOPMed 0.00002; ESP Exome Variant Server 0.00008.

Submissions (4):

Labcorp Genetics (formerly Invitae), Labcorp
Classification: Uncertain significance for Charcot-Marie-Tooth disease type 2E. Last evaluated: 2026-01-27. Review status: criteria provided, single submitter. Criteria: Invitae Variant Classification Sherloc (09022015). Collection method: clinical testing. Allele origin: germline.
Comment: This sequence change replaces isoleucine, which is neutral and non-polar, with threonine, which is neutral and polar, at codon 458 of the NEFL protein (p.Ile458Thr). This variant is present in population databases (rs372034119, gnomAD 0.005%). This variant has not been reported in the literature in individuals affected with NEFL-related conditions. ClinVar contains an entry for this variant (Variation ID: 234891). Invitae Evidence Modeling of protein sequence and biophysical properties (such as structural, functional, and spatial information, amino acid conservation, physicochemical variation, residue mobility, and thermodynamic stability) has been performed for this missense variant. However, the output from this modeling did not meet the statistical confidence thresholds required to predict the impact of this variant on NEFL protein function. In summary, the available evidence is currently insufficient to determine the role of this variant in disease. Therefore, it has been classified as a Variant of Uncertain Significance.

Ambry Genetics
Classification: Uncertain significance for Inborn genetic diseases. Last evaluated: 2025-07-18. Review status: criteria provided, single submitter. Criteria: Ambry Variant Classification Scheme 2023. Collection method: clinical testing. Allele origin: germline.

Athena Diagnostics
Classification: Uncertain significance. Last evaluated: 2023-08-23. Review status: criteria provided, single submitter. Criteria: Athena Diagnostics Criteria. Collection method: clinical testing. Allele origin: unknown.
Comment: Available data are insufficient to determine the clinical significance of the variant at this time. The frequency of this variant in the general population is uninformative in assessment of its pathogenicity. Computational tools predict that this variant is not damaging.

GeneDx
Classification: Uncertain significance. Last evaluated: 2016-11-30. Review status: criteria provided, single submitter. Criteria: GeneDx Variant Classification (06012015). Collection method: clinical testing. Allele origin: germline. Affected: yes.
Comment: A variant of uncertain significance has been identified in the NEFL gene. The I458T variant has not been published as a pathogenic variant, nor has it been reported as a benign variant to our knowledge. The I458T variant is not observed at a significant frequency in large population cohorts (Lek et al., 2016; 1000 Genomes Consortium et al., 2015; Exome Variant Server). The I458T variant is a non-conservative amino acid substitution, which is likely to impact secondary protein structure as these residues differ in polarity, charge, size and/or other properties. Additionally, this substitution occurs at a position that is conserved in mammals. In silico analysis is inconsistent in its predictions as to whether or not the variant is damaging to the protein structure/function. Based on the currently available information, it is unclear whether this variant is a pathogenic variant or a rare benign variant.